The following is an entry in ClinVar:

ClinVar aggregate classification (germline): Likely benign (1 of 4 stars; one submission).

gnomAD v4.1: 30 of 1,612,742 alleles (0.0019%); highest among the groups gnomAD compares: African/African-American, 0.0067%; no homozygotes.

Submission:

Mayo Clinic Laboratories, Mayo Clinic
Classification: Likely benign. Last evaluated: 2025-08-18. Review status: criteria provided, single submitter. Criteria: ACMG Guidelines, 2015. Collection method: clinical testing. Allele origin: germline. Observed: 1 variant allele.
Comment: BP4, BP7

NM_001080483.3(MYMK):c.387C>T (p.Ile129=)

Gene: MYMK (myomaker, myoblast fusion factor; minus strand). Cytogenetic location: 9q34.2.
Variant type: single nucleotide variant.
Coding change: c.387C>T on transcript NM_001080483.3 (MANE Select); coding-DNA position 387, C replaced by T.
Protein change: p.Ile129=; no amino-acid change (isoleucine 129 retained).
Molecular consequence: synonymous variant.
Genome position (GRCh38, 1-based): chr9:133,518,886, G>A on the plus strand (C>T on the coding strand, the complement: MYMK is on the minus strand). VCF-style: chr9-133518886-G-A. GRCh37 (hg19) VCF-style: chr9-136384008-G-A.
Other names: p.Ile129=.
Identifiers: ClinVar variation 4683457 (VCV004683457.1).